The following is an entry in ClinVar:

NM_001110556.2(FLNA):c.7900G>A (p.Asp2634Asn)

Genes: FLNA (filamin A; minus strand), LOC107988032 (Xq28 proximal FLNA-EMD recombination region; plus strand). Cytogenetic location: Xq28.
Variant type: single nucleotide variant.
Coding change: c.7900G>A on transcript NM_001110556.2 (MANE Select); coding-DNA position 7900, G replaced by A.
Protein change: p.Asp2634Asn; replaces aspartic acid 2634 with asparagine.
Molecular consequence: missense variant.
Genome position (GRCh38, 1-based): chrX:154,348,893, C>T on the plus strand (G>A on the coding strand, the complement: FLNA is on the minus strand). VCF-style: chrX-154348893-C-T. GRCh37 (hg19) VCF-style: chrX-153577261-C-T.
Other names: c.7876G>A, p.Asp2626Asn (NM_001456.4); short protein forms D2626N, D2634N.
Identifiers: ClinVar variation 2921110 (VCV002921110.1), dbSNP rs782341270, ClinGen allele CA415177132.

ClinVar aggregate classification (germline): Uncertain significance (1 of 4 stars; one submission).

gnomAD v4.1: 1 of 1,210,236 alleles (0.000083%); highest among the groups gnomAD compares: Non-Finnish European, 0.00011%; no homozygotes.

Submission:

ARUP Laboratories, Molecular Genetics and Genomics, ARUP Laboratories
Classification: Uncertain significance. Last evaluated: 2023-10-10. Review status: criteria provided, single submitter. Criteria: ARUP Molecular Germline Variant Investigation Process 2024. Collection method: clinical testing. Allele origin: germline.
Comment: The FLNA c.7876G>A; p.Asp2626Asn variant, to our knowledge, is not reported in the medical literature or gene specific databases. This variant is also absent from the Genome Aggregation Database, indicating it is not a common polymorphism. Computational analyses are uncertain whether this variant is neutral or deleterious (REVEL: 0.444). However, given the lack of clinical and functional data, the significance of this variant is uncertain at this time.